The following is an entry in ClinVar:

NM_182961.4(SYNE1):c.3027+224G>A

Gene: SYNE1 (spectrin repeat containing nuclear envelope protein 1; minus strand). Cytogenetic location: 6q25.2.
Variant type: single nucleotide variant.
Coding change: c.3027+224G>A on transcript NM_182961.4 (MANE Select); 224 bases into the intron after coding-DNA position 3027, G replaced by A.
Molecular consequence: intron variant.
Genome position (GRCh38, 1-based): chr6:152,453,362, C>T on the plus strand (G>A on the coding strand, the complement: SYNE1 is on the minus strand). VCF-style: chr6-152453362-C-T. GRCh37 (hg19) VCF-style: chr6-152774497-C-T.
Other names: c.3048+224G>A (NM_033071.5).
Identifiers: ClinVar variation 673110 (VCV000673110.1), dbSNP rs73784903, ClinGen allele CA150240130.

ClinVar aggregate classification (germline): Benign (1 of 4 stars; one submission).

Allele frequency attached by ClinVar (database versions not stated): gnomAD exomes 0.00682; gnomAD 0.05993 and 0.06433; TOPMed 0.06890; 1000 Genomes Project 30x 0.07105; 1000 Genomes Project 0.06669.
gnomAD v4.1: 12,688 of 657,188 alleles (1.9%); highest among the groups gnomAD compares: African/African-American, 21%; 1,239 homozygotes.

Submission:

GeneDx
Classification: Benign. Last evaluated: 2018-06-14. Review status: criteria provided, single submitter. Criteria: GeneDx Variant Classification (06012015). Collection method: clinical testing. Allele origin: germline. Affected: yes.
Comment: This variant is considered likely benign or benign based on one or more of the following criteria: it is a conservative change, it occurs at a poorly conserved position in the protein, it is predicted to be benign by multiple in silico algorithms, and/or has population frequency not consistent with disease.